The following is an entry in ClinVar:

NM_007294.4(BRCA1):c.3477A>G (p.Ile1159Met)

Genes: BRCA1 (BRCA1 DNA repair associated; minus strand), LOC126862571 (BRD4-independent group 4 enhancer GRCh37_chr17:41243136-41244335; plus strand). Cytogenetic location: 17q21.31.
Variant type: single nucleotide variant.
Coding change: c.3477A>G on transcript NM_007294.4 (MANE Select); coding-DNA position 3477, A replaced by G.
Protein change: p.Ile1159Met; replaces isoleucine 1159 with methionine.
Molecular consequence: missense variant. On other transcripts: intron variant (135).
Genome position (GRCh38, 1-based): chr17:43,092,054, T>C on the plus strand (A>G on the coding strand, the complement: BRCA1 is on the minus strand). VCF-style: chr17-43092054-T-C. GRCh37 (hg19) VCF-style: chr17-41244071-T-C.
Other names: c.788-1022A>G (NM_001407971.1, NM_001407980.1, NM_001407993.1 and 17 more transcripts); c.791-1031A>G (NM_001408406.1); c.647-1022A>G (NM_001408456.1, NM_001408458.1, NM_001408469.1 and 11 more transcripts); c.644-1022A>G (NM_001408465.1, NM_001408463.1, NM_001408470.1 and 3 more transcripts); c.578-1022A>G (NM_001408482.1, NM_001408484.1, NM_001408478.1 and 9 more transcripts); c.521-1022A>G (NM_001408504.1, NM_001408503.1, NM_001408505.1); c.524-1022A>G (NM_001408499.1, NM_001408498.1, NM_001408501.1 and 3 more transcripts); c.671-1022A>G (NM_001408422.1, NM_001408423.1, NM_001408420.1 and 2 more transcripts); and 41 more; short protein forms I1070M, I1071M, I1112M, I1132M, I991M, I1032M, I1047M, I1089M.
Identifiers: ClinVar variation 3825296 (VCV003825296.1).

ClinVar aggregate classification (germline): Uncertain significance (1 of 4 stars; one submission).

Conditions:
Hereditary cancer-predisposing syndrome. Also called: Hereditary neoplastic syndrome; Neoplastic Syndromes, Hereditary; Tumor predisposition; Hereditary Cancer Syndrome. Identifiers: Orphanet 140162, MedGen C0027672, MeSH D009386, MONDO:0015356.

Submission:

Ambry Genetics
Classification: Uncertain significance for Hereditary cancer-predisposing syndrome. Last evaluated: 2025-01-16. Review status: criteria provided, single submitter. Criteria: Ambry Variant Classification Scheme 2023. Collection method: clinical testing. Allele origin: germline.
Comment: The p.I1159M variant (also known as c.3477A>G), located in coding exon 9 of the BRCA1 gene, results from an A to G substitution at nucleotide position 3477. The isoleucine at codon 1159 is replaced by methionine, an amino acid with highly similar properties. This amino acid position is not well conserved in available vertebrate species. In addition, this alteration is predicted to be tolerated by in silico analysis. Based on the available evidence, the clinical significance of this variant remains unclear.